The following is an entry in ClinVar:

ClinVar aggregate classification (germline): Uncertain significance (1 of 4 stars; one submission).

Conditions:
Hereditary cancer-predisposing syndrome. Also called: Hereditary Cancer Syndrome; Hereditary neoplastic syndrome; Neoplastic Syndromes, Hereditary; Tumor predisposition. Identifiers: Orphanet 140162, MedGen C0027672, MeSH D009386, MONDO:0015356.

Submission:

Ambry Genetics
Classification: Uncertain significance for Hereditary cancer-predisposing syndrome. Last evaluated: 2021-03-24. Review status: criteria provided, single submitter. Criteria: Ambry Variant Classification Scheme 2023. Collection method: clinical testing. Allele origin: germline.
Comment: The p.E27K variant (also known as c.79G>A), located in coding exon 1 of the CDKN2A gene, results from a G to A substitution at nucleotide position 79. The glutamic acid at codon 27 is replaced by lysine, an amino acid with similar properties. This amino acid position is not well conserved in available vertebrate species. In addition, this alteration is predicted to be tolerated by in silico analysis. Since supporting evidence is limited at this time, the clinical significance of this alteration remains unclear.

NM_000077.5(CDKN2A):c.79G>A (p.Glu27Lys)

Gene: CDKN2A (cyclin dependent kinase inhibitor 2A; minus strand). Cytogenetic location: 9p21.3.
Variant type: single nucleotide variant.
Coding change: c.79G>A on transcript NM_000077.5; coding-DNA position 79, G replaced by A.
Protein change: p.Glu27Lys; replaces glutamic acid 27 with lysine.
Molecular consequence: missense variant (on NM_000077.6). On other transcripts: intron variant (2).
Genome position (GRCh38, 1-based): chr9:21,974,749, C>T on the plus strand (G>A on the coding strand, the complement: CDKN2A is on the minus strand). VCF-style: chr9-21974749-C-T. GRCh37 (hg19) VCF-style: chr9-21974748-C-T.
Other names: c.79G>A, p.Glu27Lys (NM_000077.6, NM_001195132.2, NM_058197.5); c.-3-3541G>A (NM_001363763.2); c.194-3541G>A (NM_058195.4); short protein forms E27K.
Identifiers: ClinVar variation 1761576 (VCV001761576.2), dbSNP rs1554656411, ClinGen allele CA373086602.